The following is an entry in ClinVar:

ClinVar aggregate classification (germline): Uncertain significance (1 of 4 stars; one submission).

Submission:

Labcorp Genetics (formerly Invitae), Labcorp
Classification: Uncertain significance. Last evaluated: 2021-12-16. Review status: criteria provided, single submitter. Criteria: Invitae Variant Classification Sherloc (09022015). Collection method: clinical testing. Allele origin: germline.
Comment: In summary, the available evidence is currently insufficient to determine the role of this variant in disease. Therefore, it has been classified as a Variant of Uncertain Significance. Variants that disrupt the consensus splice site are a relatively common cause of aberrant splicing (PMID: 17576681, 9536098). Algorithms developed to predict the effect of sequence changes on RNA splicing suggest that this variant may disrupt the consensus splice site. This variant has not been reported in the literature in individuals affected with CEP78-related conditions. This variant is not present in population databases (gnomAD no frequency). This sequence change falls in intron 15 of the CEP78 gene. It does not directly change the encoded amino acid sequence of the CEP78 protein. It affects a nucleotide within the consensus splice site.

Literature cited by the submitters: PubMed 17576681; PubMed 9536098.

NM_001330691.3(CEP78):c.1845+3A>G

Gene: CEP78 (centrosomal protein 78; plus strand). Cytogenetic location: 9q21.2.
Variant type: single nucleotide variant.
Coding change: c.1845+3A>G on transcript NM_001330691.3 (MANE Select); 3 bases into the intron after coding-DNA position 1845, A replaced by G.
Molecular consequence: intron variant.
Genome position (GRCh38, 1-based): chr9:78,265,909, A>G. VCF-style: chr9-78265909-A-G. GRCh37 (hg19) VCF-style: chr9-80880825-A-G.
Other names: c.1848+3A>G (NM_001349839.2, NM_001098802.3); c.1800+366A>G (NM_001349840.2, NM_032171.3); c.1797+366A>G (NM_001330693.3, NM_001330694.2); c.1845+3A>G (NM_001349838.2).
Identifiers: ClinVar variation 2130679 (VCV002130679.4), dbSNP rs2489539571, ClinGen allele CA2580080611.